The following is an entry in ClinVar:

NM_001330288.2(SMARCC2):c.1478A>T (p.Asp493Val)

Gene: SMARCC2 (SWI/SNF related BAF chromatin remodeling complex subunit C2; minus strand). Cytogenetic location: 12q13.2.
Variant type: single nucleotide variant.
Coding change: c.1478A>T on transcript NM_001330288.2 (MANE Select); coding-DNA position 1478, A replaced by T.
Protein change: p.Asp493Val; replaces aspartic acid 493 with valine.
Molecular consequence: missense variant.
Genome position (GRCh38, 1-based): chr12:56,174,669, T>A on the plus strand (A>T on the coding strand, the complement: SMARCC2 is on the minus strand). VCF-style: chr12-56174669-T-A. GRCh37 (hg19) VCF-style: chr12-56568453-T-A.
Other names: c.1478A>T, p.Asp493Val (NM_001130420.3, NM_003075.5, NM_139067.4); short protein forms D493V.
Identifiers: ClinVar variation 3372295 (VCV003372295.1).

ClinVar aggregate classification (germline): Uncertain significance (1 of 4 stars; one submission).

Submission:

GeneDx
Classification: Uncertain significance. Last evaluated: 2024-04-08. Review status: criteria provided, single submitter. Criteria: GeneDx Variant Classification Process June 2021. Collection method: clinical testing. Allele origin: germline. Affected: yes.
Comment: Not observed at significant frequency in large population cohorts (gnomAD); In silico analysis supports that this missense variant has a deleterious effect on protein structure/function; Has not been previously published as pathogenic or benign to our knowledge